The following is an entry in ClinVar:

NM_003742.4(ABCB11):c.2622_2623dup (p.Gln875fs)

Genes: ABCB11 (ATP binding cassette subfamily B member 11; minus strand), LOC126806400 (CDK7 strongly-dependent group 2 enhancer GRCh37_chr2:169791870-169793069; plus strand). Cytogenetic location: 2q31.1.
Variant type: Microsatellite.
Coding change: c.2622_2623dup on transcript NM_003742.4 (MANE Select); coding-DNA positions 2622 to 2623, 2 bases duplicated (TC; older notation c.2622_2623dupTC).
Protein change: p.Gln875fs; shifts the reading frame from glutamine 875.
Molecular consequence: frameshift variant.
Genome position (GRCh38, 1-based): chr2:168,936,421-168,936,422, GA duplicated on the plus strand (TC on the coding strand, the reverse complement: ABCB11 is on the minus strand); duplicating any 2 consecutive bases within chr2:168,936,421-168,936,425 gives the same sequence; the c. name uses the placement nearest the transcript's 3' end. VCF-style (leftmost placement, unchanged base first): chr2-168936420-T-TGA. GRCh37 (hg19) VCF-style: chr2-169792930-T-TGA.
Other names: short protein forms Q875fs.
Identifiers: ClinVar variation 2016355 (VCV002016355.4), dbSNP rs2545272431, ClinGen allele CA2580614410.

ClinVar aggregate classification (germline): Pathogenic (1 of 4 stars; one submission).

Submission:

Labcorp Genetics (formerly Invitae), Labcorp
Classification: Pathogenic. Last evaluated: 2022-07-12. Review status: criteria provided, single submitter. Criteria: Invitae Variant Classification Sherloc (09022015). Collection method: clinical testing. Allele origin: germline.
Comment: This sequence change creates a premature translational stop signal (p.Gln875Leufs*5) in the ABCB11 gene. It is expected to result in an absent or disrupted protein product. Loss-of-function variants in ABCB11 are known to be pathogenic (PMID: 18395098, 20232290). This variant is not present in population databases (gnomAD no frequency). This variant has not been reported in the literature in individuals affected with ABCB11-related conditions. For these reasons, this variant has been classified as Pathogenic.

Literature cited by the submitters: PubMed 18395098; PubMed 20232290.